The following is an entry in ClinVar:

ClinVar aggregate classification (germline): Uncertain significance (1 of 4 stars; one submission).

Conditions:
Microcephaly, epilepsy, and diabetes syndrome. Identifiers: Orphanet 306558, MedGen C3280240, MONDO:0100328.

Allele frequency attached by ClinVar (database versions not stated): ExAC 0.00001; gnomAD 0.00002; TOPMed 0.00002; gnomAD exomes 0.00003; 1000 Genomes Project 30x 0.00016; 1000 Genomes Project 0.00020.
gnomAD v4.1: 45 of 1,606,842 alleles (0.0028%); highest among the groups gnomAD compares: Non-Finnish European, 0.0036%; no homozygotes.

Submission:

Labcorp Genetics (formerly Invitae), Labcorp
Classification: Uncertain significance for Microcephaly, epilepsy, and diabetes syndrome. Last evaluated: 2022-03-26. Review status: criteria provided, single submitter. Criteria: Invitae Variant Classification Sherloc (09022015). Collection method: clinical testing. Allele origin: germline.
Comment: In summary, the available evidence is currently insufficient to determine the role of this variant in disease. Therefore, it has been classified as a Variant of Uncertain Significance. Algorithms developed to predict the effect of sequence changes on RNA splicing suggest that this variant may create or strengthen a splice site. This variant has not been reported in the literature in individuals affected with IER3IP1-related conditions. This variant is present in population databases (rs201651367, gnomAD 0.002%). This sequence change falls in intron 1 of the IER3IP1 gene. It does not directly change the encoded amino acid sequence of the IER3IP1 protein.

NM_016097.5(IER3IP1):c.92-20C>G

Gene: IER3IP1 (immediate early response 3 interacting protein 1; minus strand). Cytogenetic location: 18q21.1.
Variant type: single nucleotide variant.
Coding change: c.92-20C>G on transcript NM_016097.5 (MANE Select); 20 bases into the intron before coding-DNA position 92, C replaced by G.
Molecular consequence: intron variant.
Genome position (GRCh38, 1-based): chr18:47,157,557, G>C on the plus strand (C>G on the coding strand, the complement: IER3IP1 is on the minus strand). VCF-style: chr18-47157557-G-C. GRCh37 (hg19) VCF-style: chr18-44683928-G-C.
Identifiers: ClinVar variation 1952961 (VCV001952961.3), dbSNP rs201651367, ClinGen allele CA8955727.